The following is an entry in ClinVar:

ClinVar aggregate classification (germline): Uncertain significance (1 of 4 stars; one submission).

Conditions:
Renal cell carcinoma. Identifiers: Orphanet 217071, MedGen C0007134, MeSH D002292, MONDO:0005086, HP:0005584.

Submission:

Labcorp Genetics (formerly Invitae), Labcorp
Classification: Uncertain significance for Renal cell carcinoma. Last evaluated: 2021-01-15. Review status: criteria provided, single submitter. Criteria: Invitae Variant Classification Sherloc (09022015). Collection method: clinical testing. Allele origin: germline.
Comment: This variant is not present in population databases (ExAC no frequency). This variant has not been reported in the literature in individuals with MET-related conditions. Algorithms developed to predict the effect of missense changes on protein structure and function are either unavailable or do not agree on the potential impact of this missense change (SIFT: "Tolerated"; PolyPhen-2: "Probably Damaging"; Align-GVGD: "Class C0"). In summary, the available evidence is currently insufficient to determine the role of this variant in disease. Therefore, it has been classified as a Variant of Uncertain Significance. This sequence change replaces lysine with arginine at codon 623 of the MET protein (p.Lys623Arg). The lysine residue is moderately conserved and there is a small physicochemical difference between lysine and arginine.

NM_000245.4(MET):c.1868A>G (p.Lys623Arg)

Gene: MET (MET proto-oncogene, receptor tyrosine kinase; plus strand). Cytogenetic location: 7q31.2.
Variant type: single nucleotide variant.
Coding change: c.1868A>G on transcript NM_000245.4 (MANE Select); coding-DNA position 1868, A replaced by G.
Protein change: p.Lys623Arg; replaces lysine 623 with arginine.
Molecular consequence: missense variant.
Genome position (GRCh38, 1-based): chr7:116,757,442, A>G. VCF-style: chr7-116757442-A-G. GRCh37 (hg19) VCF-style: chr7-116397496-A-G.
Other names: c.1868A>G, p.Lys623Arg (NM_001127500.3, NM_001324401.3); c.578A>G, p.Lys193Arg (NM_001324402.2); short protein forms K193R, K623R.
Identifiers: ClinVar variation 1502789 (VCV001502789.8), dbSNP rs2116919726, ClinGen allele CA368979213.